The following is an entry in ClinVar:

NM_000089.4(COL1A2):c.1446A>T (p.Pro482=)

Gene: COL1A2 (collagen type I alpha 2 chain; plus strand). Cytogenetic location: 7q21.3.
Variant type: single nucleotide variant.
Coding change: c.1446A>T on transcript NM_000089.4 (MANE Select); coding-DNA position 1446, A replaced by T.
Protein change: p.Pro482=; no amino-acid change (proline 482 retained).
Molecular consequence: synonymous variant.
Genome position (GRCh38, 1-based): chr7:94,412,625, A>T. VCF-style: chr7-94412625-A-T. GRCh37 (hg19) VCF-style: chr7-94041937-A-T.
Identifiers: ClinVar variation 910646 (VCV000910646.15), dbSNP rs412777, ClinGen allele CA4347066.
Genomic context (GRCh38, chr7:94,412,625, plus strand): 5'-GAAATAACTCTGCTTTCAGGGCCTCCCTGGCATCGACGGCAGGCCTGGCCCAATTGGCCC[A>T]GCTGGAGCAAGAGGAGAGCCTGGCAACATTGGATTCCCTGGACCCAAAGGCCCCACTGTA-3'
Protein context (NP_000080.2, residues 472-492): GIDGRPGPIG[Pro482=]AGARGEPGNI

ClinVar aggregate classification (germline): Benign/Likely benign. Review status: criteria provided, multiple submitters, no conflicts (2 of 4 stars). 5 submissions from 4 submitters: Benign (2); Likely benign (3). Last evaluated 2025-12-01.

Conditions:
Osteogenesis imperfecta (OI). Identifiers: Orphanet 666, MedGen C0029434, MeSH D010013, MONDO:0019019.
Ehlers-Danlos syndrome, arthrochalasia type, 2. Also called: EHLERS-DANLOS SYNDROME, TYPE VIIB, AUTOSOMAL DOMINANT. Identifiers: MedGen CN293783, MONDO:0040501, OMIM 617821.
Osteogenesis imperfecta type I (OI1). Also called: Lobstein's Disease; OI, TYPE I; OSTEOGENESIS IMPERFECTA TARDA; OSTEOGENESIS IMPERFECTA WITH BLUE SCLERAE; Osteogenesis imperfecta type 1; Lobstein disease. Identifiers: Orphanet 216796, Orphanet 666, MedGen C0023931, MONDO:0008146, OMIM 166200. Disease mechanism: loss of function.
Ehlers-Danlos syndrome, classic type, 1 (EDSCL1). Also called: Ehlers-Danlos syndrome, type 1; EHLERS-DANLOS SYNDROME, GRAVIS TYPE; EHLERS-DANLOS SYNDROME, SEVERE CLASSIC TYPE; EDS I; Ehlers-Danlos Syndrome, Classic Type, COL5A1-Related. Identifiers: MedGen C0268335, MONDO:0019567, OMIM 130000.
Cardiovascular phenotype. Identifiers: MedGen CN230736.

gnomAD v4.1: 35 of 1,613,626 alleles (0.0022%); highest among the groups gnomAD compares: Non-Finnish European, 0.003%; no homozygotes.

Submissions (5):

Women's Health and Genetics/Laboratory Corporation of America, LabCorp
Classification: Likely benign. Last evaluated: 2025-12-01. Review status: criteria provided, single submitter. Criteria: LabCorp Variant Classification Summary - May 2015. Collection method: clinical testing. Allele origin: germline.

Labcorp Genetics (formerly Invitae), Labcorp
Classification: Likely benign for Osteogenesis imperfecta type I; Ehlers-Danlos syndrome, classic type, 1. Last evaluated: 2025-10-03. Review status: criteria provided, single submitter. Criteria: Invitae Variant Classification Sherloc (09022015). Collection method: clinical testing. Allele origin: germline.

Ambry Genetics
Classification: Likely benign for Cardiovascular phenotype. Last evaluated: 2022-07-08. Review status: criteria provided, single submitter. Criteria: Ambry Variant Classification Scheme 2023. Collection method: clinical testing. Allele origin: germline.

Illumina Laboratory Services, Illumina
Classification: Benign for Osteogenesis imperfecta. Last evaluated: 2017-04-27. Review status: criteria provided, single submitter. Criteria: ICSL Variant Classification Criteria 13 December 2019. Collection method: clinical testing. Allele origin: germline.
Comment: This variant was observed as part of a predisposition screen in an ostensibly healthy population. A literature search was performed for the gene, cDNA change, and amino acid change (where applicable). No publications were found based on this search. Allele frequency data from public databases was too high to be consistent with this variant causing disease. Therefore, this variant is classified as benign.

Illumina Laboratory Services, Illumina
Classification: Benign for Ehlers-Danlos syndrome, arthrochalasia type, 2. Last evaluated: 2017-04-27. Review status: criteria provided, single submitter. Criteria: ICSL Variant Classification Criteria 13 December 2019. Collection method: clinical testing. Allele origin: germline.
Comment: the same text as in the submission from Illumina Laboratory Services, Illumina above.